The following is an entry in ClinVar:

ClinVar aggregate classification (germline): Pathogenic/Likely pathogenic. Review status: criteria provided, multiple submitters, no conflicts (2 of 4 stars). 26 submissions from 26 submitters: Pathogenic (22); Likely pathogenic (4). Last evaluated 2026-09-03.

Conditions:
PKHD1-related disorder. Also called: PKHD1-related condition.
Polycystic kidney disease 4 (PKD4). Also called: Autosomal Recessive Polycystic Kidney Disease – PKHD1; PKD3; POLYCYSTIC KIDNEY AND HEPATIC DISEASE 1; POLYCYSTIC KIDNEY DISEASE, INFANTILE, TYPE I; POLYCYSTIC KIDNEY DISEASE 4 WITH OR WITHOUT POLYCYSTIC LIVER DISEASE. Identifiers: MedGen C4540575, MONDO:0033004, OMIM 263200.
Autosomal recessive polycystic kidney disease (ARPKD). Also called: AR polycystic kidney disease. Identifiers: Orphanet 731, Orphanet 8378, MedGen C0085548, MeSH D017044, MONDO:0009889.
Biliary tract abnormality. Identifiers: MedGen C0549613, MONDO:0004868, HP:0001080.

Allele frequency attached by ClinVar (database versions not stated): gnomAD 0.00007 and 0.00008; ESP Exome Variant Server 0.00008; TOPMed 0.00009; ExAC 0.00010; gnomAD exomes 0.00010.
gnomAD v4.1: 163 of 1,584,314 alleles (0.01%); highest among the groups gnomAD compares: Non-Finnish European, 0.012%; no homozygotes.

Submissions 1 to 17 of 26:

GeneDx
Classification: Pathogenic. Last evaluated: 2026-09-03. Review status: criteria provided, single submitter. Criteria: GeneDx Variant Classification Process June 2021. Collection method: clinical testing. Allele origin: germline.
Comment: In silico analysis suggests that this missense variant does not alter protein structure/function; This variant is associated with the following publications: (PMID: 11898128, 16133180, 11919560, 15698423, 12506140, 26695994, 12846734, 20413436, 15805161, 25701400, 27225849, 30650191, 31589614, 33532864, 38972501, 36938085, 39888183, 32939031, 34249099, 30586318, 32574212, 41278337)

PreventionGenetics, part of Exact Sciences
Classification: Pathogenic for PKHD1-related condition. Last evaluated: 2026-05-25. Review status: criteria provided, single submitter. Criteria: ACMG Guidelines, 2015. Collection method: clinical testing. Allele origin: germline.
Comment: The PKHD1 c.664A>G variant is predicted to result in the amino acid substitution p.Ile222Val. This variant has been repeatedly reported to be causative for autosomal recessive polycystic kidney disease (ARPKD) (see for example, Ward et al. 2002. PubMed ID: 11919560; Shuster et al. 2019. PubMed ID: 30650191; Obeidova et al. 2020. PubMed ID: 32574212; Jayasinghe et al. 2020. PubMed ID: 32939031). This variant is reported in 0.058% of alleles in individuals of Ashkenazi Jewish descent in gnomAD. This variant is interpreted as pathogenic.

Dasa
Classification: Pathogenic. Last evaluated: 2026-03-06. Review status: criteria provided, single submitter. Criteria: DASA Assertion Criteria. Collection method: clinical testing. Allele origin: germline.
Comment: NM_138694.4(PKHD1):c.664A>G (p.Ile222Val) is a missense variant that results in the substitution of isoleucine with valine. This variant has been recurrently observed in individuals with related phenotype (PMID: 11898128; PMID: 19914852; PMID: 15698423; PMID: 12846734; PMID: 26695994). Segregation evidence has been reported in affected families. The variant is present at low frequency in population datasets. Based on the available data, this variant is classified as pathogenic.

Labcorp Genetics (formerly Invitae), Labcorp
Classification: Pathogenic for Autosomal recessive polycystic kidney disease. Last evaluated: 2026-01-24. Review status: criteria provided, single submitter. Criteria: Invitae Variant Classification Sherloc (09022015). Collection method: clinical testing. Allele origin: germline.
Comment: This sequence change replaces isoleucine, which is neutral and non-polar, with valine, which is neutral and non-polar, at codon 222 of the PKHD1 protein (p.Ile222Val). This variant is present in population databases (rs369925690, gnomAD 0.05%). This missense change has been observed in individual(s) with autosomal recessive polycystic kidney disease (PMID: 11919560, 12506140, 12846734, 15698423, 19914852, 26695994). In at least one individual the data is consistent with being in trans (on the opposite chromosome) from a pathogenic variant. It has also been observed to segregate with disease in related individuals. ClinVar contains an entry for this variant (Variation ID: 406891). Invitae Evidence Modeling of protein sequence and biophysical properties (such as structural, functional, and spatial information, amino acid conservation, physicochemical variation, residue mobility, and thermodynamic stability) has been performed for this missense variant. However, the output from this modeling did not meet the statistical confidence thresholds required to predict the impact of this variant on PKHD1 protein function. For these reasons, this variant has been classified as Pathogenic.

Natera, Inc.
Classification: Pathogenic for Autosomal recessive polycystic kidney disease. Last evaluated: 2025-11-10. Review status: criteria provided, single submitter. Criteria: Natera Variant Classification Schema (03/2026). Collection method: clinical testing. Allele origin: germline.
Comment: The c.664A>G variant in PKHD1 is a missense variant predicted to cause substitution of isoleucine to valine at amino acid 222. This variant is rare in the general population with a frequency below the threshold expected for the associated phenotype(s). This variant has been observed in one or more individuals affected with the associated recessive disease, as either homozygous or compound heterozygous with a second variant (PMID: 19914852). Additionally, this variant has been observed to segregate in affected family members (PMID: 19914852). Given the available evidence, this variant is classified as Pathogenic.

Gharavi Laboratory, Columbia University
Classification: Likely pathogenic for Autosomal recessive polycystic kidney disease. Last evaluated: 2024-11-05. Review status: criteria provided, single submitter. Criteria: ACMG Guidelines, 2015. Collection method: case-control. Allele origin: germline. Affected: yes.
Comment: Compound heterozygote with NM_138694.4:c.2383C>T

ENST00000340994

Genomic Medicine Center of Excellence, King Faisal Specialist Hospital and Research Centre
Classification: Pathogenic for Polycystic kidney disease 4. Last evaluated: 2024-09-22. Review status: criteria provided, single submitter. Criteria: ACMG Guidelines, 2015. Collection method: clinical testing. Allele origin: germline.

Fulgent Genetics
Classification: Pathogenic for Polycystic kidney disease 4. Last evaluated: 2024-05-30. Review status: criteria provided, single submitter. Criteria: ACMG Guidelines, 2015. Collection method: clinical testing. Allele origin: germline.

Blueprint Genetics
Classification: Pathogenic for PKHD1-related disorders. Last evaluated: 2024-03-19. Review status: criteria provided, single submitter. Criteria: ACMG Guidelines, 2015. Collection method: clinical testing. Allele origin: germline. Affected: yes. Observed: 5 variant alleles.

Centre of Medical Genetics, University Hospital Muenster
Classification: Pathogenic. Last evaluated: 2024-02-04. Review status: criteria provided, single submitter. Criteria: ACMG Guidelines, 2015. Collection method: clinical testing. Allele origin: unknown. Affected: yes. Observed: 1 variant allele, 1 heterozygote.
Comment: ACMG categories: PS3,PS4,PP4

Laboratory of Medical Genetics, National & Kapodistrian University of Athens
Classification: Pathogenic for Polycystic kidney disease 4. Last evaluated: 2024-02-01. Review status: criteria provided, single submitter. Criteria: ACMG Guidelines, 2015. Collection method: curation. Allele origin: germline. Affected: no.

Department of Pathology and Laboratory Medicine, Sinai Health System
Classification: Likely pathogenic for Polycystic kidney disease 4. Last evaluated: 2023-01-17. Review status: criteria provided, single submitter. Criteria: ACMG Guidelines, 2015. Collection method: clinical testing. Allele origin: germline.

CeGaT Center for Human Genetics Tuebingen
Classification: Pathogenic. Last evaluated: 2022-10-01. Review status: criteria provided, single submitter. Criteria: CeGaT Center For Human Genetics Tuebingen Variant Classification Criteria Version 2. Collection method: clinical testing. Allele origin: germline. Affected: yes. Observed: 1 variant allele.
Comment: PKHD1: PM3:Very Strong, PM2, PP4, BP4

Laboratorio de Genetica e Diagnostico Molecular, Hospital Israelita Albert Einstein
Classification: Pathogenic for Polycystic kidney disease 4. Last evaluated: 2022-04-25. Review status: criteria provided, single submitter. Criteria: ACMG Guidelines, 2015. Collection method: clinical testing. Allele origin: germline. Affected: yes. Observed: 1 variant allele.
Comment: ACMG classification criteria: PS4 moderated, PM2 moderated, PM3 very strong

Revvity Omics, Revvity
Classification: Likely pathogenic for Polycystic kidney disease 4. Last evaluated: 2021-10-01. Review status: criteria provided, single submitter. Criteria: ACMG Guidelines, 2015. Collection method: clinical testing. Allele origin: germline.

Cambridge Genomics Laboratory, East Genomic Laboratory Hub, NHS Genomic Medicine Service
Classification: Pathogenic for Biliary tract abnormality. Last evaluated: 2020-04-28. Review status: criteria provided, single submitter. Criteria: ACGS Best Practice Guidelines for Variant Classification in Rare Disease 2020. Collection method: clinical testing. Allele origin: germline. Affected: yes. Observed: 1 variant allele.

Molecular Biology Laboratory, Fundació Puigvert
Classification: Likely pathogenic for Polycystic kidney disease 4. Last evaluated: 2020-02-01. Review status: criteria provided, single submitter. Criteria: ACMG Guidelines, 2015. Collection method: research. Allele origin: germline. Affected: yes. Study: KidneyPanel_2020.

NM_138694.4(PKHD1):c.664A>G (p.Ile222Val)

Gene: PKHD1 (PKHD1 ciliary IPT domain containing fibrocystin/polyductin; minus strand). Cytogenetic location: 6p12.2.
Variant type: single nucleotide variant.
Coding change: c.664A>G on transcript NM_138694.4 (MANE Select); coding-DNA position 664, A replaced by G.
Protein change: p.Ile222Val; replaces isoleucine 222 with valine.
Molecular consequence: missense variant.
Genome position (GRCh38, 1-based): chr6:52,071,009, T>C on the plus strand (A>G on the coding strand, the complement: PKHD1 is on the minus strand). VCF-style: chr6-52071009-T-C. GRCh37 (hg19) VCF-style: chr6-51935807-T-C.
Other names: c.664A>G, p.Ile222Val (NM_170724.3); c.664A>G (NM_170724.2); short protein forms I222V.
Identifiers: ClinVar variation 406891 (VCV000406891.88), dbSNP rs369925690, ClinGen allele CA3853831.